The following is an entry in ClinVar:

ClinVar aggregate classification (germline): Likely pathogenic. Review status: criteria provided, single submitter (1 of 4 stars). 2 submissions from 2 submitters: Likely pathogenic (1). 1 of the submissions does not count toward it. Last evaluated 2025-09-05.

Conditions:
CHMP4B-related disorder. Also called: CHMP4B-related condition.
Cataract 31 multiple types (CTRCT31). Also called: CATARACT 31, POSTERIOR POLAR. Identifiers: Orphanet 91492, MedGen C1854311, MONDO:0011547, OMIM 605387.

Submissions (2):

PreventionGenetics, part of Exact Sciences
Classification: Likely pathogenic for CHMP4B-related condition. Last evaluated: 2025-09-05. Review status: criteria provided, single submitter. Criteria: ACMG Guidelines, 2015. Collection method: clinical testing. Allele origin: germline.
Comment: The CHMP4B c.481G>A variant is predicted to result in the amino acid substitution p.Glu161Lys. This variant was reported to segregate with multiple members of a family with juvenile-onset cataracts (Family CPP3 in Shiels et al. 2007. PubMed ID: 17701905). At PreventionGenetics, this variant has been observed in individuals undergoing testing for early onset cataracts (Internal Data). This variant has not been reported in a large population database (gnomAD), indicating this variant is rare. Of note, another variant impacting the same amino acid (p.Glu161Gln) has also been documented in an individual with cataracts (Jackson et al. 2020. PubMed ID: 32830442). Based on this evidence, we classify the c.481G>A (p.Glu161Lys) variant as likely pathogenic.

OMIM
Classification: Pathogenic for CATARACT 31, POSTERIOR POLAR. Last evaluated: 2007-09-01. Review status: no assertion criteria provided. Collection method: literature only. Allele origin: germline. Not counted in ClinVar's aggregate classification.

Literature cited by the submitters: PubMed 10682967 (cited by OMIM); PubMed 17701905 (cited by OMIM).

NM_176812.5(CHMP4B):c.481G>A (p.Glu161Lys)

Gene: CHMP4B (charged multivesicular body protein 4B; plus strand). Cytogenetic location: 20q11.22.
Variant type: single nucleotide variant.
Coding change: c.481G>A on transcript NM_176812.5 (MANE Select); coding-DNA position 481, G replaced by A.
Protein change: p.Glu161Lys; replaces glutamic acid 161 with lysine.
Molecular consequence: missense variant.
Genome position (GRCh38, 1-based): chr20:33,851,064, G>A. VCF-style: chr20-33851064-G-A. GRCh37 (hg19) VCF-style: chr20-32438870-G-A.
Other names: c.481G>A (NM_176812.4); short protein forms E161K.
Identifiers: ClinVar variation 1086 (VCV000001086.2), dbSNP rs118203966, ClinGen allele CA114744.
Genomic context (GRCh38, chr20:33,851,064, plus strand): 5'-CTTGCAGAGGAGATTTCAACAGCAATTTCGAAACCTGTAGGGTTTGGAGAAGAGTTTGAC[G>A]AGGTGAGTAGTTTTGTACAGATCCCATAAGCTTCACAAATGATACCCTGAGGCTGTCCCT-3'
Protein context (NP_789782.1, residues 151-171): KPVGFGEEFD[Glu161Lys]DELMAELEEL